The following is an entry in ClinVar:

ClinVar aggregate classification (germline): Benign/Likely benign. Review status: criteria provided, multiple submitters, no conflicts (2 of 4 stars). 6 submissions from 6 submitters: Benign (1); Likely benign (5). Last evaluated 2025-07-14.

Conditions:
Hereditary cancer-predisposing syndrome. Also called: Neoplastic Syndromes, Hereditary; Tumor predisposition; Hereditary Cancer Syndrome; Hereditary neoplastic syndrome. Identifiers: Orphanet 140162, MedGen C0027672, MeSH D009386, MONDO:0015356.
Tuberous sclerosis syndrome (TSC). Also called: Tuberous Sclerosis Complex; Tuberous sclerosis. Identifiers: Orphanet 805, MedGen C0041341, MONDO:0001734.
Tuberous sclerosis 2 (TSC2). Identifiers: Orphanet 805, MedGen C1860707, MONDO:0013199, OMIM 613254.

Allele frequency attached by ClinVar (database versions not stated): gnomAD exomes 0.00001.
gnomAD v4.1: 3 of 1,602,440 alleles (0.00019%); highest among the groups gnomAD compares: Non-Finnish European, 0.00025%; no homozygotes.

Submissions (6):

Labcorp Genetics (formerly Invitae), Labcorp
Classification: Likely benign for Tuberous sclerosis 2. Last evaluated: 2025-07-14. Review status: criteria provided, single submitter. Criteria: Invitae Variant Classification Sherloc (09022015). Collection method: clinical testing. Allele origin: germline.

Myriad Genetics, Inc.
Classification: Benign for Tuberous sclerosis 2. Last evaluated: 2025-06-03. Review status: criteria provided, single submitter. Criteria: Myriad Autosomal Dominant, Autosomal Recessive and X-Linked Classification Criteria (2023). Collection method: clinical testing. Allele origin: unknown.
Comment: This variant is considered benign. This variant is a silent/synonymous amino acid change and it is not expected to impact splicing.

All of Us Research Program, National Institutes of Health
Classification: Likely benign for Tuberous sclerosis syndrome. Last evaluated: 2023-09-17. Review status: criteria provided, single submitter. Criteria: ACMG Guidelines, 2015. Collection method: clinical testing. Allele origin: germline. Inheritance: Autosomal dominant inheritance. Observed: 1 variant allele, 1 heterozygote.
Comment: This study involves interpretation of variants in research participants for the purpose of population health screening. Participant phenotype was not available at the time of variant classification. Additional details can be found in publication PMID: 35346344, PMCID: PMC8962531

Color Diagnostics, LLC DBA Color Health
Classification: Likely benign for Tuberous sclerosis syndrome. Last evaluated: 2023-08-31. Review status: criteria provided, single submitter. Criteria: ACMG Guidelines, 2015. Collection method: clinical testing. Allele origin: germline.

Ambry Genetics
Classification: Likely benign for Hereditary cancer-predisposing syndrome. Last evaluated: 2022-06-18. Review status: criteria provided, single submitter. Criteria: Ambry Variant Classification Scheme 2023. Collection method: clinical testing. Allele origin: germline.

Sema4
Classification: Likely benign for Hereditary cancer-predisposing syndrome. Last evaluated: 2022-02-05. Review status: criteria provided, single submitter. Criteria: Sema4 Curation Guidelines. Collection method: curation. Allele origin: germline.

NM_000548.5(TSC2):c.4389C>T (p.Ile1463=)

Gene: TSC2 (TSC complex subunit 2; plus strand). Cytogenetic location: 16p13.3.
Variant type: single nucleotide variant.
Coding change: c.4389C>T on transcript NM_000548.5 (MANE Select); coding-DNA position 4389, C replaced by T.
Protein change: p.Ile1463=; no amino-acid change (isoleucine 1463 retained).
Molecular consequence: synonymous variant.
Genome position (GRCh38, 1-based): chr16:2,084,611, C>T. VCF-style: chr16-2084611-C-T. GRCh37 (hg19) VCF-style: chr16-2134612-C-T.
Other names: c.4188C>T, p.Ile1396= (NM_001077183.3); c.4320C>T, p.Ile1440= (NM_001114382.3); c.4080C>T, p.Ile1360= (NM_001318827.2); c.4044C>T, p.Ile1348= (NM_001318829.2); c.3657C>T, p.Ile1219= (NM_001318831.2); c.4221C>T, p.Ile1407= (NM_001318832.2); c.4191C>T, p.Ile1397= (NM_001363528.2); c.4257C>T, p.Ile1419= (NM_001370404.1); and 1 more.
Identifiers: ClinVar variation 536033 (VCV000536033.18), dbSNP rs1555514425, ClinGen allele CA493043313.